The following is an entry in ClinVar:

NM_020549.5(CHAT):c.1420G>C (p.Val474Leu)

Gene: CHAT (choline O-acetyltransferase; plus strand). Cytogenetic location: 10q11.23.
Variant type: single nucleotide variant.
Coding change: c.1420G>C on transcript NM_020549.5 (MANE Select); coding-DNA position 1420, G replaced by C.
Protein change: p.Val474Leu; replaces valine 474 with leucine.
Molecular consequence: missense variant.
Genome position (GRCh38, 1-based): chr10:49,649,545, G>C. VCF-style: chr10-49649545-G-C. GRCh37 (hg19) VCF-style: chr10-50857591-G-C.
Other names: c.1066G>C, p.Val356Leu (NM_001142929.2, NM_001142934.2, NM_020984.4 and 2 more transcripts); c.1174G>C, p.Val392Leu (NM_001142933.2); short protein forms V356L, V392L, V474L.
Identifiers: ClinVar variation 1051223 (VCV001051223.6), dbSNP rs371719364, ClinGen allele CA206638640.

ClinVar aggregate classification (germline): Uncertain significance (1 of 4 stars; one submission).

Conditions:
Familial infantile myasthenia (CMS6). Also called: MYASTHENIC SYNDROME, PRESYNAPTIC, CONGENITAL, ASSOCIATED WITH EPISODIC APNEA; MYASTHENIC SYNDROME, CONGENITAL, 6, PRESYNAPTIC; Congenital myasthenic syndrome type 6. Identifiers: Orphanet 590, MedGen C0393929, MONDO:0009689, OMIM 254210.

Submission:

Labcorp Genetics (formerly Invitae), Labcorp
Classification: Uncertain significance for Familial infantile myasthenia. Last evaluated: 2022-10-13. Review status: criteria provided, single submitter. Criteria: Invitae Variant Classification Sherloc (09022015). Collection method: clinical testing. Allele origin: germline.
Comment: This sequence change replaces valine, which is neutral and non-polar, with leucine, which is neutral and non-polar, at codon 474 of the CHAT protein (p.Val474Leu). This variant is not present in population databases (gnomAD no frequency). This variant has not been reported in the literature in individuals affected with CHAT-related conditions. ClinVar contains an entry for this variant (Variation ID: 1051223). Advanced modeling of protein sequence and biophysical properties (such as structural, functional, and spatial information, amino acid conservation, physicochemical variation, residue mobility, and thermodynamic stability) performed at Invitae indicates that this missense variant is not expected to disrupt CHAT protein function. In summary, the available evidence is currently insufficient to determine the role of this variant in disease. Therefore, it has been classified as a Variant of Uncertain Significance.